The following is an entry in ClinVar:

NM_000136.3(FANCC):c.1493C>T (p.Ala498Val)

Genes: AOPEP (aminopeptidase O (putative); plus strand), FANCC (FA complementation group C; minus strand). Cytogenetic location: 9q22.32.
Variant type: single nucleotide variant.
Coding change: c.1493C>T on transcript NM_000136.3 (MANE Select); coding-DNA position 1493, C replaced by T.
Protein change: p.Ala498Val; replaces alanine 498 with valine.
Molecular consequence: missense variant.
Genome position (GRCh38, 1-based): chr9:95,107,106, G>A on the plus strand (C>T on the coding strand, the complement: FANCC is on the minus strand). VCF-style: chr9-95107106-G-A. GRCh37 (hg19) VCF-style: chr9-97869388-G-A.
Other names: p.A498V:GCT>GTT; c.1493C>T, p.Ala498Val (NM_001243743.2); short protein forms A498V.
Identifiers: ClinVar variation 182488 (VCV000182488.28), dbSNP rs730881725, ClinGen allele CA299193.

ClinVar aggregate classification (germline): Uncertain significance. Review status: criteria provided, multiple submitters, no conflicts (2 of 4 stars). 10 submissions from 10 submitters: Uncertain significance (8). 2 of the submissions do not count toward it. Last evaluated 2024-10-09.

Conditions:
Hereditary cancer-predisposing syndrome. Also called: Tumor predisposition; Hereditary Cancer Syndrome; Hereditary neoplastic syndrome; Neoplastic Syndromes, Hereditary. Identifiers: Orphanet 140162, MedGen C0027672, MeSH D009386, MONDO:0015356.
Fanconi anemia (FA). Also called: Fanconi's anemia. Identifiers: Orphanet 84, MedGen C0015625, MeSH D005199, MONDO:0019391.
Fanconi anemia complementation group C (FANCC). Also called: FANCONI PANCYTOPENIA, TYPE 3; FACC; FANCC-Related Fanconi Anemia; Fanconi anemia, group C. Identifiers: Orphanet 84, MedGen C3468041, MONDO:0009213, OMIM 227645.

Allele frequency attached by ClinVar (database versions not stated): ExAC 0.00001; gnomAD exomes 0.00002 and 0.00005; gnomAD 0.00004; TOPMed 0.00004.
gnomAD v4.1: 82 of 1,614,092 alleles (0.0051%); highest among the groups gnomAD compares: Non-Finnish European, 0.0066%; no homozygotes.

Submissions (10):

Labcorp Genetics (formerly Invitae), Labcorp
Classification: Uncertain significance for Fanconi anemia. Last evaluated: 2024-10-09. Review status: criteria provided, single submitter. Criteria: Invitae Variant Classification Sherloc (09022015). Collection method: clinical testing. Allele origin: germline.
Comment: This sequence change replaces alanine, which is neutral and non-polar, with valine, which is neutral and non-polar, at codon 498 of the FANCC protein (p.Ala498Val). This variant is present in population databases (rs730881725, gnomAD 0.005%). This missense change has been observed in individual(s) with family history of breast cancer (PMID: 23028338). ClinVar contains an entry for this variant (Variation ID: 182488). Invitae Evidence Modeling of protein sequence and biophysical properties (such as structural, functional, and spatial information, amino acid conservation, physicochemical variation, residue mobility, and thermodynamic stability) has been performed for this missense variant. However, the output from this modeling did not meet the statistical confidence thresholds required to predict the impact of this variant on FANCC protein function. In summary, the available evidence is currently insufficient to determine the role of this variant in disease. Therefore, it has been classified as a Variant of Uncertain Significance.

Quest Diagnostics Nichols Institute San Juan Capistrano
Classification: Uncertain significance. Last evaluated: 2024-09-19. Review status: criteria provided, single submitter. Criteria: Quest Diagnostics criteria. Collection method: clinical testing. Allele origin: unknown.
Comment: The FANCC c.1493C>T (p.Ala498Val) variant has been reported in the published literature in individuals with breast cancer (PMID: 33471991 (2021), 23028338 (2012), see also LOVD) and ovarian cancer (PMID: 32546565 (2021)). This variant has also been observed in reportedly healthy individuals (PMID: 33471991 (2021), see also LOVD). The frequency of this variant in the general population, 0.000046 (6/129114 chromosomes (Genome Aggregation Database)), is uninformative in the assessment of its pathogenicity. Analysis of this variant using bioinformatics tools for the prediction of the effect of amino acid changes on protein structure and function yielded predictions that this variant is benign. Based on the available information, we are unable to determine the clinical significance of this variant.

Fulgent Genetics
Classification: Uncertain significance for Fanconi anemia complementation group C. Last evaluated: 2024-03-22. Review status: criteria provided, single submitter. Criteria: ACMG Guidelines, 2015. Collection method: clinical testing. Allele origin: germline.

Ambry Genetics
Classification: Uncertain significance for Hereditary cancer-predisposing syndrome. Last evaluated: 2023-12-14. Review status: criteria provided, single submitter. Criteria: Ambry Variant Classification Scheme 2023. Collection method: clinical testing. Allele origin: germline.
Comment: The p.A498V variant (also known as c.1493C>T), located in coding exon 13 of the FANCC gene, results from a C to T substitution at nucleotide position 1493. The alanine at codon 498 is replaced by valine, an amino acid with similar properties. This alteration was detected in a cohort of 438 breast cancer families (Thompson ER et al. PLoS Genet, 2012 Sep;8:e1002894). This amino acid position is not well conserved in available vertebrate species. In addition, this alteration is predicted to be tolerated by in silico analysis. Since supporting evidence is limited at this time, the clinical significance of this alteration remains unclear.

GeneDx
Classification: Uncertain significance. Last evaluated: 2023-04-27. Review status: criteria provided, single submitter. Criteria: GeneDx Variant Classification Process June 2021. Collection method: clinical testing. Allele origin: germline. Affected: yes.
Comment: In silico analysis supports that this missense variant does not alter protein structure/function; Observed in individuals with breast cancer or ovarian cancer (Thompson et al., 2012; Song et al., 2021); This variant is associated with the following publications: (PMID: 32546565, 23028338)

St. Jude Molecular Pathology, St. Jude Children's Research Hospital
Classification: Uncertain significance for Fanconi anemia complementation group C. Last evaluated: 2022-09-28. Review status: criteria provided, single submitter. Criteria: St. Jude Assertion Criteria 2020. Collection method: clinical testing. Allele origin: germline.
Comment: The FANCC c.1493C>T (p.Ala498Val) missense change has a maximum subpopulation frequency of 0.0021% in gnomAD v2.1.1. The in silico tool REVEL predicts a benign effect on protein function, but to our knowledge this prediction has not been confirmed by functional studies. This variant has been reported in individuals with breast cancer (PMID: 23028338) and ovarian cancer (PMID: 32546565). To our knowledge, this variant has not been reported in individuals with Fanconi anemia. In summary, the evidence currently available is insufficient to determine the clinical significance of this variant. It has therefore been classified as of uncertain significance.

Sema4
Classification: Uncertain significance for Fanconi anemia. Last evaluated: 2021-11-09. Review status: criteria provided, single submitter. Criteria: Sema4 Curation Guidelines. Collection method: curation. Allele origin: germline.
Comment: The FANCC c.1493C>T (p.A498V) variant has been reported in at least three individuals with breast cancer and at least one individual with ovarian cancer (PMID: 33471991, 32546565, 23028338). However, this variant has also been identified in at least two unaffected controls (PMID: 33471991). It was observed in 6/129114 chromosomes of the Non-Finnish European subpopulation in the large and broad cohorts of the Genome Aggregation Database (PMID: 32461654). The variant has been reported in ClinVar (Variation ID: 182488). In silico tools suggest the impact of the variant on protein function is benign, though these predictions have not been confirmed by functional studies. The evidence is insufficient to meet ACMG/AMP criteria for classifying the variant as benign or pathogenic. Thus, the clinical significance of this variant is currently uncertain.

Illumina Laboratory Services, Illumina
Classification: Uncertain significance for Fanconi anemia complementation group C. Last evaluated: 2017-05-15. Review status: criteria provided, single submitter. Criteria: ICSL Variant Classification Criteria 13 December 2019. Collection method: clinical testing. Allele origin: germline.
Comment: This variant was observed as part of a predisposition screen in an ostensibly healthy population. A literature search was performed for the gene, cDNA change, and amino acid change (where applicable). Publications were found based on this search. However, the evidence from the literature, in combination with allele frequency data from public databases where available, was not sufficient to rule this variant in or out of causing disease. Therefore, this variant is classified as a variant of unknown significance.

Natera, Inc.
Classification: Uncertain significance for Fanconi anemia, group C. Last evaluated: 2020-09-16. Review status: no assertion criteria provided. Collection method: clinical testing. Allele origin: germline. Not counted in ClinVar's aggregate classification.

Department of Pathology and Laboratory Medicine, Sinai Health System
Classification: Uncertain significance for Fanconi anemia complementation group C. Review status: no assertion criteria provided. Collection method: clinical testing. Allele origin: unknown. Affected: yes. Study: The Canadian Open Genetics Repository (COGR). Not counted in ClinVar's aggregate classification.
Comment: The FANCC p.Ala498Val variant was identified in 1 of 2882 proband chromosomes (frequency: 0.0004) from individuals or families with breast cancer and was not identified in 928 control chromosomes from healthy individuals (Thompson 2012). The variant was also identified in dbSNP (ID: rs730881725) as "With Uncertain significance allele" and ClinVar (classified as uncertain significance by Invitae and GeneDx). The variant was not identified in LOVD 3.0. The variant was identified in control databases in 6 of 277174 chromosomes at a frequency of 0.00002 (Genome Aggregation Database Feb 27, 2017). The variant was observed in the European population in 6 of 126674 chromosomes (freq: 0.00005), while it was not observed in the African, Other, Latino, Ashkenazi Jewish, East Asian, Finnish, and South Asian populations. The p.Ala498 residue is not conserved in mammals and four out of five computational analyses (PolyPhen-2, SIFT, AlignGVGD, BLOSUM, MutationTaster) do not suggest a high likelihood of impact to the protein; however, this information is not predictive enough to rule out pathogenicity. The variant occurs outside of the splicing consensus sequence and in silico or computational prediction software programs (SpliceSiteFinder, MaxEntScan, NNSPLICE, GeneSplicer) do not predict a difference in splicing. In summary, based on the above information, the clinical significance of this variant cannot be determined with certainty at this time. This variant is classified as a variant of uncertain significance.

Literature cited by the submitters: PubMed 23028338 (cited by 5 submitters); PubMed 33471991 (cited by Quest Diagnostics Nichols Institute San Juan Capistrano and Sema4); PubMed 32546565 (cited by Quest Diagnostics Nichols Institute San Juan Capistrano and Sema4).